The following is an entry in ClinVar:

ClinVar aggregate classification (germline): Likely benign (1 of 4 stars; one submission).

Allele frequency attached by ClinVar (database versions not stated): gnomAD 0.02667; TOPMed 0.04759; 1000 Genomes Project 30x 0.10275; 1000 Genomes Project 0.10363.
gnomAD v4.1: 5,663 of 152,156 alleles (3.7%); highest among the groups gnomAD compares: East Asian, 16%; 357 homozygotes.

Submission:

GeneDx
Classification: Likely benign. Last evaluated: 2018-06-16. Review status: criteria provided, single submitter. Criteria: GeneDx Variant Classification (06012015). Collection method: clinical testing. Allele origin: germline. Affected: yes.
Comment: This variant is considered likely benign or benign based on one or more of the following criteria: it is a conservative change, it occurs at a poorly conserved position in the protein, it is predicted to be benign by multiple in silico algorithms, and/or has population frequency not consistent with disease.

NM_001194998.2(CEP152):c.2018+333C>A

Gene: CEP152 (centrosomal protein 152; minus strand). Cytogenetic location: 15q21.1.
Variant type: single nucleotide variant.
Coding change: c.2018+333C>A on transcript NM_001194998.2 (MANE Select); 333 bases into the intron after coding-DNA position 2018, C replaced by A.
Molecular consequence: intron variant.
Genome position (GRCh38, 1-based): chr15:48,767,886, G>T on the plus strand (C>A on the coding strand, the complement: CEP152 is on the minus strand). VCF-style: chr15-48767886-G-T. GRCh37 (hg19) VCF-style: chr15-49060083-G-T.
Other names: c.2018+333C>A (NM_014985.4).
Identifiers: ClinVar variation 669844 (VCV000669844.1), dbSNP rs16961610, ClinGen allele CA269551624.
Genomic context (GRCh38, chr15:48,767,886, plus strand): 5'-GCAGTCCCCAACTCACAAGTAAGTTATGTTCCAGAAGTCTGTTTCCAAGTTTATGATTTG[G>T]TATTTGGAAGACATATTCCCTCTCACAGACTTTTTTCTTTATAAAGAATAGTTTCCCAGA-3'